The following is an entry in ClinVar:

NM_006005.3(WFS1):c.818A>C (p.Glu273Ala)

Gene: WFS1 (wolframin ER transmembrane glycoprotein; plus strand). Cytogenetic location: 4p16.1.
Variant type: single nucleotide variant.
Coding change: c.818A>C on transcript NM_006005.3 (MANE Select); coding-DNA position 818, A replaced by C.
Protein change: p.Glu273Ala; replaces glutamic acid 273 with alanine.
Molecular consequence: missense variant.
Genome position (GRCh38, 1-based): chr4:6,295,146, A>C. VCF-style: chr4-6295146-A-C. GRCh37 (hg19) VCF-style: chr4-6296873-A-C.
Other names: c.818A>C, p.Glu273Ala (NM_001145853.1); short protein forms E273A.
Identifiers: ClinVar variation 1614420 (VCV001614420.13), dbSNP rs546948362, ClinGen allele CA2839069.

ClinVar aggregate classification (germline): Conflicting classifications of pathogenicity. Review status: criteria provided, conflicting classifications (1 of 4 stars). 5 submissions from 5 submitters: Uncertain significance (4); Likely benign (1). Last evaluated 2026-06-28.

Conditions:
Autosomal dominant nonsyndromic hearing loss 6 (LFSNHL). Also called: Autosomal dominant nonsyndromic deafness 6; DEAFNESS, AUTOSOMAL DOMINANT 6; DEAFNESS, AUTOSOMAL DOMINANT 14; DEAFNESS, AUTOSOMAL DOMINANT 38. Identifiers: Orphanet 90635, MedGen C1833021, MONDO:0010963, OMIM 600965.
Cataract 41 (CTRCT41). Also called: CATARACT 41, CONGENITAL NUCLEAR TYPE. Identifiers: Orphanet 91492, Orphanet 98991, Orphanet 98992, Orphanet 98995, MedGen C3805412, MONDO:0007287, OMIM 116400.
Type 2 diabetes mellitus. Also called: Type II diabetes mellitus. Identifiers: MedGen C0011860, MeSH D003924, MONDO:0005148, OMIM 125853, HP:0005978.
Wolfram syndrome 1 (WFS1). Identifiers: Orphanet 3463, MedGen C4551693, MONDO:0009101, OMIM 222300.
Wolfram-like syndrome. Also called: HEARING LOSS, PROGRESSIVE, WITH OPTIC ATROPHY AND/OR IMPAIRED GLUCOSE REGULATION. Identifiers: Orphanet 411590, MedGen C3280358, MONDO:0013673, OMIM 614296.
Inborn genetic diseases. Identifiers: MedGen C0950123, MeSH D030342.
WFS1-related disorder. Identifiers: MedGen CN379391, MONDO:0700293.

Allele frequency attached by ClinVar (database versions not stated): TOPMed 0.00002; gnomAD 0.00003 and 0.00004; gnomAD exomes 0.00003 and 0.00004; ExAC 0.00007; 1000 Genomes Project 0.00020; 1000 Genomes Project 30x 0.00062.
gnomAD v4.1: 47 of 1,612,802 alleles (0.0029%); highest among the groups gnomAD compares: East Asian, 0.098%; no homozygotes.

Submissions (5):

PreventionGenetics, part of Exact Sciences
Classification: Uncertain significance for WFS1-related condition. Last evaluated: 2026-06-28. Review status: criteria provided, single submitter. Criteria: ACMG Guidelines, 2015. Collection method: clinical testing. Allele origin: germline.
Comment: The WFS1 c.818A>C variant is predicted to result in the amino acid substitution p.Glu273Ala. This variant was reported in an individual with hearing loss (Table S3, Ma et al. 2023. PubMed ID: 36597107; Li et al. 2023. PubMed ID: 37277527). This variant is reported in 0.060% of alleles in individuals of East Asian descent in gnomAD. At this time, the clinical significance of this variant is uncertain due to the absence of conclusive functional and genetic evidence.

Labcorp Genetics (formerly Invitae), Labcorp
Classification: Likely benign. Last evaluated: 2025-09-22. Review status: criteria provided, single submitter. Criteria: Invitae Variant Classification Sherloc (09022015). Collection method: clinical testing. Allele origin: germline.

Blueprint Genetics
Classification: Uncertain significance. Last evaluated: 2022-07-11. Review status: criteria provided, single submitter. Criteria: ACMG Guidelines, 2015. Collection method: clinical testing. Allele origin: germline.

Ambry Genetics
Classification: Uncertain significance for Inborn genetic diseases. Last evaluated: 2021-12-01. Review status: criteria provided, single submitter. Criteria: Ambry Variant Classification Scheme 2023. Collection method: clinical testing. Allele origin: germline.

Juno Genomics, Hangzhou Juno Genomics, Inc
Classification: Uncertain significance for Cataract 41; Autosomal dominant nonsyndromic hearing loss 6; Wolfram syndrome 1; Wolfram-like syndrome; Type 2 diabetes mellitus. Review status: criteria provided, single submitter. Criteria: ACMG Guidelines, 2015. Collection method: clinical testing. Allele origin: germline. Affected: yes.
Comment: Absent from controls (or at extremely low frequency if recessive) in Genome Aggregation Database, Exome Sequencing Project, 1000 Genomes Project, or Exome Aggregation Consortium.